The following is an entry in ClinVar:

ClinVar aggregate classification (germline): Uncertain significance (1 of 4 stars; one submission).

Conditions:
Inborn genetic diseases. Identifiers: MedGen C0950123, MeSH D030342.

Allele frequency attached by ClinVar (database versions not stated): gnomAD exomes below 0.00001; gnomAD 0.00001; TOPMed 0.00002.
gnomAD v4.1: 2 of 1,611,252 alleles (0.00012%); highest among the groups gnomAD compares: African/African-American, 0.0027%; no homozygotes.

Submission:

Ambry Genetics
Classification: Uncertain significance for Inborn genetic diseases. Last evaluated: 2021-09-07. Review status: criteria provided, single submitter. Criteria: Ambry Variant Classification Scheme 2023. Collection method: clinical testing. Allele origin: germline.
Comment: The c.10217C>G (p.T3406R) alteration is located in exon 27 (coding exon 27) of the ASPM gene. This alteration results from a C to G substitution at nucleotide position 10217, causing the threonine (T) at amino acid position 3406 to be replaced by an arginine (R). This variant was not reported in population-based cohorts in the Genome Aggregation Database (gnomAD). This amino acid position is highly conserved in available vertebrate species. The in silico prediction for this alteration is inconclusive. Based on insufficient or conflicting evidence, the clinical significance of this alteration remains unclear.

NM_018136.5(ASPM):c.10217C>G (p.Thr3406Arg)

Gene: ASPM (assembly factor for spindle microtubules; minus strand). Cytogenetic location: 1q31.3.
Variant type: single nucleotide variant.
Coding change: c.10217C>G on transcript NM_018136.5 (MANE Select); coding-DNA position 10217, C replaced by G.
Protein change: p.Thr3406Arg; replaces threonine 3406 with arginine.
Molecular consequence: missense variant.
Genome position (GRCh38, 1-based): chr1:197,086,917, G>C on the plus strand (C>G on the coding strand, the complement: ASPM is on the minus strand). VCF-style: chr1-197086917-G-C. GRCh37 (hg19) VCF-style: chr1-197056047-G-C.
Other names: c.5462C>G, p.Thr1821Arg (NM_001206846.2); short protein forms T1821R, T3406R.
Identifiers: ClinVar variation 985791 (VCV000985791.4), dbSNP rs1194792753, ClinGen allele CA343995899.
Genomic context (GRCh38, chr1:197,086,917, plus strand): 5'-GAAGAATTCTTCTTTTGCTTGTAAAGTATTCTTTCAGTATTCATTTTATGTTTATGAGCT[G>C]TAAGTTTGTAGAGACTGTAAATACGGTCAACAACTTTGGACCTACTTCGTACATCCTACA-3'
Protein context (NP_060606.3, residues 3396-3416): VDRIYSLYKL[Thr3406Arg]AHKHKMNTER